The following is an entry in ClinVar:

ClinVar aggregate classification (germline): Uncertain significance (1 of 4 stars; one submission).

Conditions:
Atrioventricular septal defect 4 (AVSD4). Identifiers: MedGen C3280781, MONDO:0013747, OMIM 614430.

Submission:

Labcorp Genetics (formerly Invitae), Labcorp
Classification: Uncertain significance for Atrioventricular septal defect 4. Last evaluated: 2022-05-19. Review status: criteria provided, single submitter. Criteria: Invitae Variant Classification Sherloc (09022015). Collection method: clinical testing. Allele origin: germline.
Comment: This sequence change replaces cysteine, which is neutral and slightly polar, with phenylalanine, which is neutral and non-polar, at codon 238 of the GATA4 protein (p.Cys238Phe). In summary, the available evidence is currently insufficient to determine the role of this variant in disease. Therefore, it has been classified as a Variant of Uncertain Significance. Algorithms developed to predict the effect of missense changes on protein structure and function are either unavailable or do not agree on the potential impact of this missense change (SIFT: "Deleterious"; PolyPhen-2: "Probably Damaging"; Align-GVGD: "Class C15"). This variant has not been reported in the literature in individuals affected with GATA4-related conditions. This variant is not present in population databases (gnomAD no frequency).

NM_001308093.3(GATA4):c.716G>T (p.Cys239Phe)

Gene: GATA4 (GATA binding protein 4). Cytogenetic location: 8p23.1.
Variant type: single nucleotide variant.
Coding change: c.716G>T on transcript NM_001308093.3 (MANE Select); coding-DNA position 716, G replaced by T.
Protein change: p.Cys239Phe; replaces cysteine 239 with phenylalanine.
Molecular consequence: missense variant.
Genome position (GRCh38, 1-based): chr8:11,749,015, G>T. VCF-style: chr8-11749015-G-T. GRCh37 (hg19) VCF-style: chr8-11606524-G-T.
Other names: c.95G>T, p.Cys32Phe (NM_001308094.2, NM_001374273.1, NM_001374274.1); c.713G>T, p.Cys238Phe (NM_002052.5); short protein forms C238F, C32F, C239F.
Identifiers: ClinVar variation 1996387 (VCV001996387.4), dbSNP rs2486967256, ClinGen allele CA370312738.